The following continues an entry in ClinVar:

NM_000023.4(SGCA):c.850C>T (p.Arg284Cys)

Gene: SGCA. ClinVar aggregate classification (germline): Pathogenic. Pathogenic (1).

Submissions 14 to 19 of 19:

Laboratory for Molecular Medicine, Mass General Brigham Personalized Medicine
Classification: Pathogenic for Autosomal recessive limb-girdle muscular dystrophy type 2D. Last evaluated: 2020-03-31. Review status: criteria provided, single submitter. Criteria: LMM Criteria. Collection method: clinical testing. Allele origin: germline. Inheritance: Autosomal recessive inheritance. Observed: 1 variant allele. Not counted in ClinVar's aggregate classification.
Comment: The p.Arg284Cys variant in SGCA has been reported in the homozygous or compound heterozygous state in >20 individuals with autosomal recessive limb-girdle muscular dystrophy type 2D and segregated with disease in at least 4 affected individuals (Angelini 1998, Avila De Salman 2007, Boito 2003, Duggan 1997, Guglieri 2008, Klinge 2008, Magri 2015, Stehlikova 2014, Tarnopolsky 2015, Trabelsi 2008, Soheili 2012). This variant is typically associated with a more mild course of disease, particularly in the homozygous state, which is consistent with in vitro functional studies (Soheili 2012). It has also been identified in 0.077% (8/10368) of Ashkenazi Jewish chromosomes by gnomAD. This variant has been reported in ClinVar (Variation ID 9439). In summary, this variant meets criteria to be classified as pathogenic for autosomal recessive limb-girdle muscular dystrophy type 2D. ACMG/AMP criteria applied: PM3_VeryStrong, PP1_Moderate, PS3_Supporting.

Myriad Genetics, Inc.
Classification: Likely pathogenic for Autosomal recessive limb-girdle muscular dystrophy type 2D. Last evaluated: 2019-12-20. Review status: criteria provided, single submitter. Criteria: Myriad Women's Health Autosomal Recessive and X-Linked Classification Criteria (2019). Collection method: clinical testing. Allele origin: unknown. Not counted in ClinVar's aggregate classification.
Comment: NM_000023.2(SGCA):c.850C>T(R284C) is classified as likely pathogenic in the context of phenylalanine hydroxylase deficiency and may be associated with the mild form of this disease.. Sources cited for classification include the following: PMID 22095924, 12746421, 9585331 and 17994539. Classification of NM_000023.2(SGCA):c.850C>T(R284C) is based on the following criteria: This variant has been observed more frequently in patients with clinical diagnoses than in healthy populations. Please note: this variant was assessed in the context of healthy population screening.

Women's Health and Genetics/Laboratory Corporation of America, LabCorp
Classification: Pathogenic for Limb-girdle muscular dystrophy, autosomal recessive. Last evaluated: 2019-11-11. Review status: criteria provided, single submitter. Criteria: LabCorp Variant Classification Summary - May 2015. Collection method: clinical testing. Allele origin: germline. Not counted in ClinVar's aggregate classification.
Comment: Variant summary: SGCA c.850C>T (p.Arg284Cys) results in a non-conservative amino acid change in the encoded protein sequence. Five of five in-silico tools predict a damaging effect of the variant on protein function. The variant allele was found at a frequency of 0.00015 in 251442 control chromosomes (gnomAD). This frequency is not significantly higher than expected for a pathogenic variant in SGCA causing Limb-girdle muscular dystrophy (autosomal recessive) (0.00015 vs 0.002), allowing no conclusion about variant significance. c.850C>T has been reported in the literature in multiple individuals affected with Limb-girdle muscular dystrophy (e.g. Guglieri_2008). These data indicate that the variant is very likely to be associated with disease. In functional studies, this variant showed significantly reduced ATPase activity. The authors of this study suggested that this could be due to partially trapped mutant protein in the endoplasmic reticulum. Five ClinVar submissions (evaluation after 2014) cite the variant as pathogenic. Based on the evidence outlined above, the variant was classified as pathogenic.

Eurofins Ntd Llc (ga)
Classification: Pathogenic. Last evaluated: 2017-11-28. Review status: criteria provided, single submitter. Criteria: EGL Classification Definitions 2015. Collection method: clinical testing. Allele origin: germline. Observed: 13 variant alleles, 11 heterozygotes, 2 homozygotes. Not counted in ClinVar's aggregate classification.

Illumina Laboratory Services, Illumina
Classification: Pathogenic for Sarcoglycanopathies. Last evaluated: 2017-07-14. Review status: criteria provided, single submitter. Criteria: ICSL Variant Classification Criteria 09 May 2019. Collection method: clinical testing. Allele origin: germline. Not counted in ClinVar's aggregate classification.
Comment: The SGCA c.850C>T (p.Arg284Cys) variant has been reported in six studies in which it is found in a total of 11 individuals with varying levels of alpha-sarcoglycan deficiency, including seven individuals in a compound heterozygous state, three individuals in a homozygous state, and one individual in a heterozygous state (Duggan et al. 1997; Angelini et al. 1998; Boito et al. 2003; Avila de Salman et al. 2007; Klinge et al. 2008; Stehlikova et al. 2014). The p.Arg284Cys variant was absent from over 300 control samples and is reported at a frequency of 0.00018 in the South Asian population of the Exome Aggregation Consortium. Immunohistochemistry studies have revealed a decrease in SGCA expression in individuals that carry the p.Arg284Cys variant (Angelini et al. 1998; Boito et al. 2003; Avila De Salman et al. 2007), although expression levels may vary. Based on the collective evidence, the p.Arg284Cys variant is classified as pathogenic for alpha-sarcoglycanopathy. This variant was observed by ICSL as part of a predisposition screen in an ostensibly healthy population.

OMIM
Classification: Pathogenic for MUSCULAR DYSTROPHY, LIMB-GIRDLE, AUTOSOMAL RECESSIVE 3. Last evaluated: 1998-06-01. Review status: no assertion criteria provided. Collection method: literature only. Allele origin: germline. Not counted in ClinVar's aggregate classification.

Literature cited by the submitters: PubMed 9032047 (cited by 3 submitters); PubMed 9192266 (cited by Labcorp Genetics (formerly Invitae), Labcorp and Laboratory for Molecular Medicine, Mass General Brigham Personalized Medicine); PubMed 18285821 (cited by Labcorp Genetics (formerly Invitae), Labcorp and Laboratory for Molecular Medicine, Mass General Brigham Personalized Medicine); PubMed 18421900 (cited by 3 submitters); PubMed 25135358 (cited by 3 submitters); PubMed 26404900 (cited by Labcorp Genetics (formerly Invitae), Labcorp and Laboratory for Molecular Medicine, Mass General Brigham Personalized Medicine); PubMed 26453141 (cited by Labcorp Genetics (formerly Invitae), Labcorp and Laboratory for Molecular Medicine, Mass General Brigham Personalized Medicine); PubMed 22095924 (cited by 4 submitters); PubMed 17994539 (cited by 4 submitters); PubMed 31836381 (cited by Natera, Inc.); PubMed 30919934 (cited by Natera, Inc.); PubMed 18996010 (cited by Laboratory for Molecular Medicine, Mass General Brigham Personalized Medicine and Illumina Laboratory Services, Illumina); PubMed 12746421 (cited by 3 submitters); PubMed 9585331 (cited by 4 submitters).